The following is an entry in ClinVar:

ClinVar aggregate classification (germline): Uncertain significance (1 of 4 stars; one submission).

Conditions:
Actin accumulation myopathy (CMYO2A). Also called: Myopathy, actin, congenital, with cores; Nemaline myopathy 3, with intranuclear rods; CONGENITAL MYOPATHY 2A, TYPICAL, AUTOSOMAL DOMINANT; Nemaline myopathy type 3; Myopathy, actin, congenital, with excess of thin myofilaments. Identifiers: Orphanet 98904, MedGen C3711389, MONDO:0008070, OMIM 161800.

Submission:

Labcorp Genetics (formerly Invitae), Labcorp
Classification: Uncertain significance for Actin accumulation myopathy. Last evaluated: 2022-10-05. Review status: criteria provided, single submitter. Criteria: Invitae Variant Classification Sherloc (09022015). Collection method: clinical testing. Allele origin: germline.
Comment: This sequence change results in a frameshift in the ACTA1 gene (p.Lys330Asnfs*72). While this is not anticipated to result in nonsense mediated decay, it is expected to disrupt the last 48 amino acid(s) of the ACTA1 protein and extend the protein by 23 additional amino acid residues. This variant is not present in population databases (gnomAD no frequency). This variant has not been reported in the literature in individuals affected with ACTA1-related conditions. This variant disrupts the C-terminus of the ACTA1 protein. Other variant(s) that disrupt this region (p.Tyr364*) have been observed in individuals with ACTA1-related conditions (PMID: 17187373). This suggests that this may be a clinically significant region of the protein. In summary, the available evidence is currently insufficient to determine the role of this variant in disease. Therefore, it has been classified as a Variant of Uncertain Significance.

Literature cited by the submitters: PubMed 17187373.

NM_001100.4(ACTA1):c.986_989dup (p.Lys330fs)

Gene: ACTA1 (actin alpha 1, skeletal muscle; minus strand). Cytogenetic location: 1q42.13.
Variant type: Duplication.
Coding change: c.986_989dup on transcript NM_001100.4 (MANE Select); coding-DNA positions 986 to 989, 4 bases duplicated (TCAA; older notation c.986_989dupTCAA).
Protein change: p.Lys330fs; shifts the reading frame from lysine 330.
Molecular consequence: frameshift variant.
Genome position (GRCh38, 1-based): chr1:229,431,722-229,431,725, TTGA duplicated on the plus strand (TCAA on the coding strand, the reverse complement: ACTA1 is on the minus strand); duplicating any 4 consecutive bases within chr1:229,431,722-229,431,726 gives the same sequence; the c. name uses the placement nearest the transcript's 3' end. VCF-style (leftmost placement, unchanged base first): chr1-229431721-C-CTTGA. GRCh37 (hg19) VCF-style: chr1-229567468-C-CTTGA.
Other names: short protein forms K330fs.
Identifiers: ClinVar variation 2004055 (VCV002004055.4), dbSNP rs2527435999, ClinGen allele CA2580062275.